The following is an entry in ClinVar:

NM_006306.4(SMC1A):c.3131_3132del

Gene: SMC1A (structural maintenance of chromosomes 1A; minus strand). Cytogenetic location: Xp11.22.
Variant type: Microsatellite.
Coding change: c.3131_3132del on transcript NM_006306.4 (MANE Select); coding-DNA positions 3131 to 3132, 2 bases deleted (AG; older notation c.3131_3132delAG).
Molecular consequence: splice acceptor variant.
Genome position (GRCh38, 1-based): chrX:53,382,659-53,382,660, CT deleted on the plus strand (AG on the coding strand, the reverse complement: SMC1A is on the minus strand); deleting any 2 consecutive bases within chrX:53,382,659-53,382,662 gives the same sequence; the c. name uses the placement nearest the transcript's 3' end. VCF-style (leftmost placement, unchanged base first): chrX-53382658-ACT-A. GRCh37 (hg19) VCF-style: chrX-53409579-ACT-A.
Identifiers: ClinVar variation 4293561 (VCV004293561.1).

ClinVar aggregate classification (germline): Likely pathogenic (1 of 4 stars; one submission).

Conditions:
Developmental and epileptic encephalopathy, 85, with or without midline brain defects. Also called: EPILEPTIC ENCEPHALOPATHY, EARLY INFANTILE, 85, WITH OR WITHOUT MIDLINE BRAIN DEFECTS. Identifiers: MedGen C5393312, MONDO:0026771, OMIM 301044.

Submission:

3billion
Classification: Likely pathogenic for Developmental and epileptic encephalopathy, 85, with or without midline brain defects. Last evaluated: 2024-10-22. Review status: criteria provided, single submitter. Criteria: ACMG Guidelines, 2015. Collection method: clinical testing. Allele origin: germline. Affected: yes.
Comment: The variant is not observed in the gnomAD v4.1.0 dataset. Predicted Consequence/Location: Frameshift: predicted to result in a loss or disruption of normal protein function through nonsense-mediated decay (NMD) or protein truncation. Multiple pathogenic variants are reported downstream of the variant. In silico tools predict the variant to alter splicing and produce an abnormal transcript [SpliceAI: 1.00 (spliceogenicity >=0.2, non-spliceogenicity <0.1)]. Therefore, this variant is classified as Likely pathogenic according to the recommendation of ACMG/AMP guideline.